The following is an entry in ClinVar:

ClinVar aggregate classification (germline): Benign/Likely benign. Review status: criteria provided, multiple submitters, no conflicts (2 of 4 stars). 3 submissions from 3 submitters: Benign (1); Likely benign (2). Last evaluated 2026-01-22.

Conditions:
Koolen-de Vries syndrome (KDVS). Identifiers: Orphanet 96169, MedGen C1864871, MONDO:0012496, OMIM 610443.

Allele frequency attached by ClinVar (database versions not stated): gnomAD exomes 0.00002; ExAC 0.00006; gnomAD 0.00007; TOPMed 0.00012.
gnomAD v4.1: 38 of 1,605,250 alleles (0.0024%); highest among the groups gnomAD compares: Admixed American, 0.01%; no homozygotes.

Submissions (3):

Labcorp Genetics (formerly Invitae), Labcorp
Classification: Benign for Koolen-de Vries syndrome. Last evaluated: 2026-01-22. Review status: criteria provided, single submitter. Criteria: Invitae Variant Classification Sherloc (09022015). Collection method: clinical testing. Allele origin: germline.

CeGaT Center for Human Genetics Tuebingen
Classification: Likely benign. Last evaluated: 2024-05-01. Review status: criteria provided, single submitter. Criteria: CeGaT Center For Human Genetics Tuebingen Variant Classification Criteria Version 2. Collection method: clinical testing. Allele origin: germline. Affected: yes. Observed: 1 variant allele.
Comment: KANSL1: BP1, BP5

GeneDx
Classification: Likely benign. Last evaluated: 2021-05-10. Review status: criteria provided, single submitter. Criteria: GeneDx Variant Classification Process June 2021. Collection method: clinical testing. Allele origin: germline. Affected: yes.

NM_015443.4(KANSL1):c.2755G>A (p.Ala919Thr)

Gene: KANSL1 (KAT8 regulatory NSL complex subunit 1). Cytogenetic location: 17q21.31.
Variant type: single nucleotide variant.
Coding change: c.2755G>A on transcript NM_015443.4 (MANE Select); coding-DNA position 2755, G replaced by A.
Protein change: p.Ala919Thr; replaces alanine 919 with threonine.
Molecular consequence: missense variant.
Genome position (GRCh38, 1-based): chr17:46,033,162, C>T on the plus strand (G>A on the coding strand, the complement: KANSL1 is on the minus strand). VCF-style: chr17-46033162-C-T. GRCh37 (hg19) VCF-style: chr17-44110528-C-T.
Other names: c.2752G>A, p.Ala918Thr (NM_001193465.2); c.2755G>A, p.Ala919Thr (NM_001193466.2, NM_001379198.1); short protein forms A919T, A918T.
Identifiers: ClinVar variation 380648 (VCV000380648.33), dbSNP rs776547113, ClinGen allele CA8618449.